The following is an entry in ClinVar:

NM_001042492.3(NF1):c.5409T>G (p.Ile1803Met)

Gene: NF1 (neurofibromin 1; plus strand). Cytogenetic location: 17q11.2.
Variant type: single nucleotide variant.
Coding change: c.5409T>G on transcript NM_001042492.3 (MANE Select); coding-DNA position 5409, T replaced by G.
Protein change: p.Ile1803Met; replaces isoleucine 1803 with methionine.
Molecular consequence: missense variant.
Genome position (GRCh38, 1-based): chr17:31,327,639, T>G. VCF-style: chr17-31327639-T-G. GRCh37 (hg19) VCF-style: chr17-29654657-T-G.
Other names: c.5346T>G, p.Ile1782Met (NM_000267.4); short protein forms I1782M, I1803M.
Identifiers: ClinVar variation 830272 (VCV000830272.12), dbSNP rs2069379800, ClinGen allele CA399009376.

ClinVar aggregate classification (germline): Uncertain significance. Review status: criteria provided, multiple submitters, no conflicts (2 of 4 stars). 4 submissions from 4 submitters: Uncertain significance (4). Last evaluated 2022-08-10.

Conditions:
Hereditary breast ovarian cancer syndrome. Also called: Hereditary breast and ovarian cancer syndrome (HBOC); BRCA1- and BRCA2-Associated Hereditary Breast and Ovarian Cancer; Hereditary breast and ovarian cancer syndrome; Breast and ovarian cancer; Hereditary breast and/or ovarian cancer syndrome; Hereditary breast and ovarian cancer. Identifiers: Orphanet 145, MedGen C0677776, MeSH D061325, MONDO:0003582. Disease mechanism: loss of function.
Hereditary cancer-predisposing syndrome. Also called: Neoplastic Syndromes, Hereditary; Hereditary Cancer Syndrome; Hereditary neoplastic syndrome; Tumor predisposition. Identifiers: Orphanet 140162, MedGen C0027672, MeSH D009386, MONDO:0015356.
Cardiovascular phenotype. Identifiers: MedGen CN230736.
Neurofibromatosis, type 1 (NF1). Also called: Neurofibromatosis, type I; Peripheral type neurofibromatosis; VON RECKLINGHAUSEN DISEASE; NEUROFIBROMATOSIS, TYPE I, SOMATIC. Identifiers: Orphanet 636, MedGen C0027831, MONDO:0018975, OMIM 162200. Disease mechanism: loss of function.

Allele frequency attached by ClinVar (database versions not stated): gnomAD exomes below 0.00001.
gnomAD v4.1: 1 of 1,614,104 alleles (0.000062%); highest among the groups gnomAD compares: African/African-American, 0.0013%; no homozygotes.

Submissions (4):

Ambry Genetics
Classification: Uncertain significance for Cardiovascular phenotype; Hereditary cancer-predisposing syndrome. Last evaluated: 2022-08-10. Review status: criteria provided, single submitter. Criteria: Ambry Variant Classification Scheme 2023. Collection method: clinical testing. Allele origin: germline.
Comment: The p.I1782M variant (also known as c.5346T>G), located in coding exon 37 of the NF1 gene, results from a T to G substitution at nucleotide position 5346. The isoleucine at codon 1782 is replaced by methionine, an amino acid with highly similar properties. This amino acid position is conserved. In addition, this alteration is predicted to be tolerated by in silico analysis. Since supporting evidence is limited at this time, the clinical significance of this alteration remains unclear.

Genome-Nilou Lab
Classification: Uncertain significance for Neurofibromatosis, type 1. Last evaluated: 2022-03-15. Review status: criteria provided, single submitter. Criteria: ACMG Guidelines, 2015. Collection method: clinical testing. Allele origin: germline. Affected: no.

Cancer Genomics Group, Japanese Foundation For Cancer Research
Classification: Uncertain significance for Hereditary breast and ovarian cancer syndrome. Last evaluated: 2019-05-01. Review status: criteria provided, single submitter. Criteria: ACMG Guidelines, 2015. Collection method: research. Allele origin: germline. Affected: yes.

Labcorp Genetics (formerly Invitae), Labcorp
Classification: Uncertain significance for Neurofibromatosis, type 1. Last evaluated: 2019-02-15. Review status: criteria provided, single submitter. Criteria: Invitae Variant Classification Sherloc (09022015). Collection method: clinical testing. Allele origin: germline.
Comment: This sequence change replaces isoleucine with methionine at codon 1782 of the NF1 protein (p.Ile1782Met). The isoleucine residue is moderately conserved and there is a small physicochemical difference between isoleucine and methionine. In summary, the available evidence is currently insufficient to determine the role of this variant in disease. Therefore, it has been classified as a Variant of Uncertain Significance. Algorithms developed to predict the effect of missense changes on protein structure and function are either unavailable or do not agree on the potential impact of this missense change (SIFT: "Tolerated"; PolyPhen-2: "Benign"; Align-GVGD: "Class C0"). This variant has not been reported in the literature in individuals with NF1-related conditions. This variant is not present in population databases (ExAC no frequency).